The following is an entry in ClinVar:

NM_000170.3(GLDC):c.482A>G (p.Tyr161Cys)

Gene: GLDC (glycine decarboxylase; minus strand). Cytogenetic location: 9p24.1.
Variant type: single nucleotide variant.
Coding change: c.482A>G on transcript NM_000170.3 (MANE Select); coding-DNA position 482, A replaced by G.
Protein change: p.Tyr161Cys; replaces tyrosine 161 with cysteine.
Molecular consequence: missense variant.
Genome position (GRCh38, 1-based): chr9:6,610,345, T>C on the plus strand (A>G on the coding strand, the complement: GLDC is on the minus strand). VCF-style: chr9-6610345-T-C. GRCh37 (hg19) VCF-style: chr9-6610345-T-C.
Other names: short protein forms Y161C.
Identifiers: ClinVar variation 56098 (VCV000056098.57), dbSNP rs386833580, ClinGen allele CA263423.

ClinVar aggregate classification (germline): Pathogenic/Likely pathogenic. Review status: criteria provided, multiple submitters, no conflicts (2 of 4 stars). 6 submissions from 6 submitters: Pathogenic (3); Likely pathogenic (1). 2 of the submissions do not count toward it. Last evaluated 2025-06-30.

Conditions:
GLDC-related disorder. Also called: GLDC-related condition.
Glycine encephalopathy. Also called: Nonketotic hyperglycinemia; Non-ketotic hyperglycinemia. Identifiers: Orphanet 407, MedGen C0751748, MONDO:0011612, HP:0008288.

Allele frequency attached by ClinVar (database versions not stated): gnomAD exomes below 0.00001; TOPMed below 0.00001.

Submissions (6):

Natera, Inc.
Classification: Pathogenic for Non-ketotic hyperglycinemia. Last evaluated: 2025-06-30. Review status: criteria provided, single submitter. Criteria: Natera Variant Classification Schema (03/2026). Collection method: clinical testing. Allele origin: germline.
Comment: The c.482A>G variant in GLDC is a missense variant predicted to cause substitution of tyrosine to cysteine at amino acid 161. This variant is rare in the general population with a frequency below the threshold expected for the associated phenotype(s). This variant has been observed in one or more individuals affected with the associated recessive disease, as either homozygous or compound heterozygous with a second variant (PMID: 27362913). Given the available evidence, this variant is classified as Pathogenic.

Labcorp Genetics (formerly Invitae), Labcorp
Classification: Pathogenic for Glycine encephalopathy. Last evaluated: 2023-09-18. Review status: criteria provided, single submitter. Criteria: Invitae Variant Classification Sherloc (09022015). Collection method: clinical testing. Allele origin: germline.
Comment: Advanced modeling of protein sequence and biophysical properties (such as structural, functional, and spatial information, amino acid conservation, physicochemical variation, residue mobility, and thermodynamic stability) performed at Invitae indicates that this missense variant is expected to disrupt GLDC protein function. ClinVar contains an entry for this variant (Variation ID: 56098). This missense change has been observed in individual(s) with glycine encephalopathy (PMID: 16404748, 27362813; Invitae). In at least one individual the data is consistent with being in trans (on the opposite chromosome) from a pathogenic variant. It has also been observed to segregate with disease in related individuals. This variant is not present in population databases (gnomAD no frequency). This sequence change replaces tyrosine, which is neutral and polar, with cysteine, which is neutral and slightly polar, at codon 161 of the GLDC protein (p.Tyr161Cys). For these reasons, this variant has been classified as Pathogenic.

Women's Health and Genetics/Laboratory Corporation of America, LabCorp
Classification: Pathogenic for Glycine encephalopathy. Last evaluated: 2023-06-21. Review status: criteria provided, single submitter. Criteria: LabCorp Variant Classification Summary - May 2015. Collection method: clinical testing. Allele origin: germline.
Comment: Variant summary: GLDC c.482A>G (p.Tyr161Cys) results in a non-conservative amino acid change in the encoded protein sequence. Five of five in-silico tools predict a damaging effect of the variant on protein function. The variant was absent in 251282 control chromosomes (gnomAD). c.482A>G has been reported in the literature as a biallelic genotype in multiple individuals affected with Glycine Encephalopathy (Non-Ketotic Hyperglycinemia) (e.g. Korman_2006, Swanson_2015, Coughlin_2017). These data indicate that the variant is very likely to be associated with disease. To our knowledge, no experimental evidence demonstrating an impact on protein function has been reported. The following publications have been ascertained in the context of this evaluation (PMID: 27362913, 16404748, 26179960). Three submitters have cited clinical-significance assessments for this variant to ClinVar after 2014. All submitters classified the variant as pathogenic (n=2)/likely pathogenic (n=1). Based on the evidence outlined above, the variant was classified as pathogenic.

CeGaT Center for Human Genetics Tuebingen
Classification: Likely pathogenic. Last evaluated: 2018-11-01. Review status: criteria provided, single submitter. Criteria: CeGaT Center For Human Genetics Tuebingen Variant Classification Criteria Version 2. Collection method: clinical testing. Allele origin: germline. Affected: yes. Observed: 1 variant allele.

PreventionGenetics, part of Exact Sciences
Classification: Pathogenic for GLDC-related condition. Last evaluated: 2023-12-02. Review status: no assertion criteria provided. Collection method: clinical testing. Allele origin: germline. Not counted in ClinVar's aggregate classification.
Comment: The GLDC c.482A>G variant is predicted to result in the amino acid substitution p.Tyr161Cys. This variant was reported in the homozygous state in two siblings with non-ketotic hyperglycinaemia (NKH). Patient 1 had CSF and plasma glycine levels consistent with severe neonatal onset NKH. Glycine cleavage enzyme system (GCS) activity in placental tissue of patient 2 was 2.6% of controls (Korman et al. 2006. PubMed ID: 16404748). Additional patients with a clinical suspicion of NKH have been reported to be homozygous or compound heterozygous for this variant and a second pathogenic GLDC variant (Coughlin et al. 2017. PubMed ID: 27362913, Supplemental Table 1). This variant has not been reported in a large population database, indicating this variant is rare. It has been interpreted as pathogenic or likely pathogenic in ClinVar. Taken together, this variant is interpreted as pathogenic.

Juha Muilu Group; Institute for Molecular Medicine Finland (FIMM)
Classification: Likely pathogenic for Non-ketotic hyperglycinemia. Review status: no assertion criteria provided. Collection method: not provided. Allele origin: unknown. Not counted in ClinVar's aggregate classification.
Comment: FinDis database variant: This variant was not found or characterized by our laboratory, data were collected from public sources: see reference
ClinVar note: Converted during submission from probable-pathogenic to Likely pathogenic.

Literature cited by the submitters: PubMed 27362913 (cited by Natera, Inc. and Women's Health and Genetics/Laboratory Corporation of America, LabCorp); PubMed 16404748 (cited by Labcorp Genetics (formerly Invitae), Labcorp and Women's Health and Genetics/Laboratory Corporation of America, LabCorp); PubMed 27362813 (cited by Labcorp Genetics (formerly Invitae), Labcorp); PubMed 26179960 (cited by Women's Health and Genetics/Laboratory Corporation of America, LabCorp).